The following is an entry in ClinVar:

NM_001122764.3(PPOX):c.339-3C>A

Gene: PPOX (protoporphyrinogen oxidase; plus strand). Cytogenetic location: 1q23.3.
Variant type: single nucleotide variant.
Coding change: c.339-3C>A on transcript NM_001122764.3 (MANE Select); 3 bases into the intron before coding-DNA position 339, C replaced by A.
Molecular consequence: intron variant.
Genome position (GRCh38, 1-based): chr1:161,167,992, C>A. VCF-style: chr1-161167992-C-A. GRCh37 (hg19) VCF-style: chr1-161137782-C-A.
Other names: c.-148-3C>A (NM_001350130.2, NM_001365401.1); c.354-421C>A (NM_001350128.2); c.-89-3C>A (NM_001350129.2, NM_001365400.1); c.339-3C>A (NM_001365399.1, NM_000309.5, NM_001365398.1); c.-34-421C>A (NM_001350131.2).
Identifiers: ClinVar variation 4982111 (VCV004982111.1).
Genomic context (GRCh38, chr1:161,167,992, plus strand): 5'-CAGCGCCTGGAGCTGGGGAGGTATGTCAGGAGCTTCCCCCTCACTATGCCTTTCTCCATG[C>A]AGGGGGCTACTCCGCCCTTCACCCCCCTTCTCCAAACCTCTGTTTTGGGCTGGGCTGAGG-3'

ClinVar aggregate classification (germline): Uncertain significance (1 of 4 stars; one submission).

Conditions:
PPOX-related disorder. Also called: PPOX-related condition.

Submission:

PreventionGenetics, part of Exact Sciences
Classification: Uncertain significance for PPOX-related condition. Last evaluated: 2026-03-18. Review status: criteria provided, single submitter. Criteria: ACMG Guidelines, 2015. Collection method: clinical testing. Allele origin: germline.
Comment: The PPOX c.339-3C>A variant is predicted to interfere with splicing. This variant was reported in an individual with variegate porphyria who also heterozygous for a second variant in PPOX (Loskove et al. 2019. PubMed ID: 30385147). This variant is predicted to alter splicing based on available splicing prediction programs (SpliceAI, Jaganathan et al. 2019. PubMed ID: 30661751). However, the use of computer prediction programs is not equivalent to functional evidence. This variant has not been reported in a large population database (gnomAD), indicating this variant is rare. Although we suspect that this variant may be pathogenic, at this time, the clinical significance of this variant is uncertain due to the absence of conclusive functional and genetic evidence.